The following is an entry in ClinVar:

NM_000059.4(BRCA2):c.8820_8823del (p.Gln2941fs)

Gene: BRCA2 (BRCA2 DNA repair associated; plus strand). Cytogenetic location: 13q13.1.
Variant type: Deletion.
Coding change: c.8820_8823del on transcript NM_000059.4 (MANE Select); coding-DNA positions 8820 to 8823, 4 bases deleted (ACAA; older notation c.8820_8823delACAA).
Protein change: p.Gln2941fs; shifts the reading frame from glutamine 2941.
Molecular consequence: frameshift variant.
Genome position (GRCh38, 1-based): chr13:32,379,382-32,379,385, ACAA deleted; deleting any 4 consecutive bases within chr13:32,379,380-32,379,385 gives the same sequence; the c. name uses the placement nearest the transcript's 3' end. VCF-style (leftmost placement, unchanged base first): chr13-32379379-GAAAC-G. GRCh37 (hg19) VCF-style: chr13-32953516-GAAAC-G.
Other names: c.8820_8823delACAA (NM_000059.3); c.8820_8823del (NM_000059.3); short protein forms Q2941fs.
Identifiers: ClinVar variation 52685 (VCV000052685.13), dbSNP rs397508011, ClinGen allele CA025836.

ClinVar aggregate classification (germline): Pathogenic. Review status: reviewed by expert panel (3 of 4 stars). 4 submissions from 4 submitters: Pathogenic (1). 3 of the submissions do not count toward it. Last evaluated 2017-12-15.

Conditions:
Hereditary breast ovarian cancer syndrome. Also called: Hereditary breast and ovarian cancer syndrome; Hereditary breast and ovarian cancer; Hereditary breast and ovarian cancer syndrome (HBOC); Breast and ovarian cancer; Hereditary breast and/or ovarian cancer syndrome; BRCA1- and BRCA2-Associated Hereditary Breast and Ovarian Cancer. Identifiers: Orphanet 145, MedGen C0677776, MeSH D061325, MONDO:0003582. Disease mechanism: loss of function.
Breast-ovarian cancer, familial, susceptibility to, 2 (BROVCA2). Also called: BRCA2 Hereditary Breast and Ovarian Cancer. Identifiers: Orphanet 145, MedGen C2675520, MONDO:0012933, OMIM 612555. Disease mechanism: loss of function.
Familial cancer of breast. Also called: BREAST CANCER, FAMILIAL; Hereditary breast cancer; hereditary breast carcinoma. Identifiers: Orphanet 227535, MedGen C0346153, MONDO:0016419, OMIM 114480. Disease mechanism: loss of function.

Submissions (4):

Evidence-based Network for the Interpretation of Germline Mutant Alleles (ENIGMA)
Classification: Pathogenic for Breast-ovarian cancer, familial, susceptibility to, 2. Last evaluated: 2017-12-15. Review status: reviewed by expert panel. Criteria: ENIGMA BRCA1/2 Classification Criteria (2017-06-29). Collection method: curation. Allele origin: germline. Study: ENIGMA.
Comment: Variant allele predicted to encode a truncated non-functional protein.

KCCC/NGS Laboratory, Kuwait Cancer Control Center
Classification: Pathogenic for Breast-ovarian cancer, familial, susceptibility to, 2. Last evaluated: 2025-01-06. Review status: criteria provided, single submitter. Criteria: ACMG Guidelines, 2015. Collection method: clinical testing. Allele origin: germline. Inheritance: Autosomal dominant inheritance. Affected: yes. Observed: 1 heterozygote. Not counted in ClinVar's aggregate classification.
Comment: This sequence change creates a premature translational stop signal (p.Gln2941Leufs*34) in the BRCA2 gene. It is expected to result in an absent or disrupted protein product. Loss-of-function variants in BRCA2 are known to be pathogenic (PMID: 20104584).This premature translational stop signal has been observed in individual(s) with breast and/or ovarian cancer (PMID: 21614564, 30702160). This variant is not present in population databases (gnomAD no frequency). This variant is also known as 9048del4.ClinVar contains an entry for this variant (Variation ID: 52685). For these reasons, this variant has been classified as Pathogenic.

Labcorp Genetics (formerly Invitae), Labcorp
Classification: Pathogenic for Hereditary breast ovarian cancer syndrome. Last evaluated: 2023-03-31. Review status: criteria provided, single submitter. Criteria: Invitae Variant Classification Sherloc (09022015). Collection method: clinical testing. Allele origin: germline. Not counted in ClinVar's aggregate classification.
Comment: This sequence change creates a premature translational stop signal (p.Gln2941Leufs*34) in the BRCA2 gene. It is expected to result in an absent or disrupted protein product. Loss-of-function variants in BRCA2 are known to be pathogenic (PMID: 20104584). This variant is not present in population databases (gnomAD no frequency). ClinVar contains an entry for this variant (Variation ID: 52685). This variant is also known as 9048del4. This premature translational stop signal has been observed in individual(s) with breast and/or ovarian cancer (PMID: 21614564, 30702160). For these reasons, this variant has been classified as Pathogenic.

ClinVar Staff, National Center for Biotechnology Information (NCBI)
No classification provided. Condition: Familial cancer of breast. Review status: no classification provided. Collection method: literature only. Allele origin: germline. Affected: yes. Not counted in ClinVar's aggregate classification.

Literature cited by the submitters: PubMed 20104584 (cited by Labcorp Genetics (formerly Invitae), Labcorp); PubMed 21614564 (cited by Labcorp Genetics (formerly Invitae), Labcorp); PubMed 30702160 (cited by Labcorp Genetics (formerly Invitae), Labcorp); PubMed 19087709 (cited by ClinVar Staff, National Center for Biotechnology Information (NCBI)).